The following is an entry in ClinVar:

NM_145166.4(ZBTB47):c.865_866insTGGAGG (p.Glu288_Glu289insValGlu)

Gene: ZBTB47 (zinc finger and BTB domain containing 47; plus strand). Cytogenetic location: 3p22.1.
Variant type: Insertion.
Coding change: c.865_866insTGGAGG on transcript NM_145166.4 (MANE Select); coding-DNA positions 865 to 866, TGGAGG inserted.
Protein change: p.Glu288_Glu289insValGlu.
Genome position: GRCh38 VCF-style: chr3-42659215-A-AGGAGGT. GRCh37 (hg19) VCF-style: chr3-42700707-A-AGGAGGT.
Other names: c.949_950insTGGAGG, p.Glu316_Glu317insValGlu (NM_001410746.1).
Identifiers: ClinVar variation 4083122 (VCV004083122.1).

ClinVar aggregate classification (germline): Uncertain significance (1 of 4 stars; one submission).

Submission:

GeneDx
Classification: Uncertain significance. Last evaluated: 2025-03-14. Review status: criteria provided, single submitter. Criteria: GeneDx Variant Classification Process June 2021. Collection method: clinical testing. Allele origin: germline. Affected: yes.
Comment: Not observed at significant frequency in large population cohorts (gnomAD); In-frame insertion of 2 amino acids in a non-repeat region; Has not been previously published as pathogenic or benign to our knowledge